The following is an entry in ClinVar:

ClinVar aggregate classification (germline): Uncertain significance (1 of 4 stars; one submission).

Submission:

Labcorp Genetics (formerly Invitae), Labcorp
Classification: Uncertain significance. Last evaluated: 2025-11-05. Review status: criteria provided, single submitter. Criteria: Invitae Variant Classification Sherloc (09022015). Collection method: clinical testing. Allele origin: germline.
Comment: This sequence change replaces valine, which is neutral and non-polar, with leucine, which is neutral and non-polar, at codon 84 of the NTHL1 protein (p.Val84Leu). This variant is not present in population databases (gnomAD no frequency). This variant has not been reported in the literature in individuals affected with NTHL1-related conditions. An algorithm developed to predict the effect of missense changes on protein structure and function (PolyPhen-2) suggests that this variant is likely to be tolerated. In summary, the available evidence is currently insufficient to determine the role of this variant in disease. Therefore, it has been classified as a Variant of Uncertain Significance.

NM_002528.7(NTHL1):c.226G>T (p.Val76Leu)

Gene: NTHL1 (nth like DNA glycosylase 1; minus strand). Cytogenetic location: 16p13.3.
Variant type: single nucleotide variant.
Coding change: c.226G>T on transcript NM_002528.7 (MANE Select); coding-DNA position 226, G replaced by T.
Protein change: p.Val76Leu; replaces valine 76 with leucine.
Molecular consequence: missense variant. On other transcripts: intron variant (1).
Genome position (GRCh38, 1-based): chr16:2,046,256, C>A on the plus strand (G>T on the coding strand, the complement: NTHL1 is on the minus strand). VCF-style: chr16-2046256-C-A. GRCh37 (hg19) VCF-style: chr16-2096257-C-A.
Other names: c.226G>T, p.Val76Leu (NM_001318193.2); c.24+24G>T (NM_001318194.2); short protein forms V76L.
Identifiers: ClinVar variation 4738590 (VCV004738590.1).